The following is an entry in ClinVar:

ClinVar aggregate classification (germline): Uncertain significance (1 of 4 stars; one submission).

Conditions:
Inborn genetic diseases. Identifiers: MedGen C0950123, MeSH D030342.

Allele frequency attached by ClinVar (database versions not stated): gnomAD exomes below 0.00001.
gnomAD v4.1: 1 of 1,609,108 alleles (0.000062%); highest among the groups gnomAD compares: Non-Finnish European, 0.000085%; no homozygotes.

Submission:

Ambry Genetics
Classification: Uncertain significance for Inborn genetic diseases. Last evaluated: 2021-01-19. Review status: criteria provided, single submitter. Criteria: Ambry Variant Classification Scheme 2023. Collection method: clinical testing. Allele origin: germline.
Comment: The p.Q224E variant (also known as c.670C>G), located in coding exon 8 of the DNAJB2 gene, results from a C to G substitution at nucleotide position 670. The glutamine at codon 224 is replaced by glutamic acid, an amino acid with highly similar properties. This amino acid position is well conserved in available vertebrate species. In addition, this alteration is predicted to be tolerated by in silico analysis. Since supporting evidence is limited at this time, the clinical significance of this alteration remains unclear.

NM_006736.6(DNAJB2):c.670C>G (p.Gln224Glu)

Gene: DNAJB2 (DnaJ heat shock protein family (Hsp40) member B2; plus strand). Cytogenetic location: 2q35.
Variant type: single nucleotide variant.
Coding change: c.670C>G on transcript NM_006736.6 (MANE Select); coding-DNA position 670, C replaced by G.
Protein change: p.Gln224Glu; replaces glutamine 224 with glutamic acid.
Molecular consequence: missense variant.
Genome position (GRCh38, 1-based): chr2:219,284,682, C>G. VCF-style: chr2-219284682-C-G. GRCh37 (hg19) VCF-style: chr2-220149404-C-G.
Other names: c.670C>G, p.Gln224Glu (NM_001039550.2); short protein forms Q224E.
Identifiers: ClinVar variation 1755031 (VCV001755031.2), dbSNP rs2545034372, ClinGen allele CA350651588.